The following is an entry in ClinVar:

ClinVar aggregate classification (germline): Uncertain significance (1 of 4 stars; one submission).

Submission:

Ambry Genetics
Classification: Uncertain significance. Last evaluated: 2022-09-20. Review status: criteria provided, single submitter. Criteria: Ambry Variant Classification Scheme 2023. Collection method: clinical testing. Allele origin: germline.
Comment: The p.F357L variant (also known as c.1071C>G), located in coding exon 9 of the FAM175A gene, results from a C to G substitution at nucleotide position 1071. The phenylalanine at codon 357 is replaced by leucine, an amino acid with highly similar properties. This amino acid position is conserved. In addition, this alteration is predicted to be tolerated by in silico analysis. Since supporting evidence is limited at this time, the clinical significance of this alteration remains unclear.

NM_139076.3(ABRAXAS1):c.1071C>G (p.Phe357Leu)

Gene: ABRAXAS1 (abraxas 1, BRCA1 A complex subunit; minus strand). Cytogenetic location: 4q21.23.
Variant type: single nucleotide variant.
Coding change: c.1071C>G on transcript NM_139076.3 (MANE Select); coding-DNA position 1071, C replaced by G.
Protein change: p.Phe357Leu; replaces phenylalanine 357 with leucine.
Molecular consequence: missense variant.
Genome position (GRCh38, 1-based): chr4:83,462,628, G>C on the plus strand (C>G on the coding strand, the complement: ABRAXAS1 is on the minus strand). VCF-style: chr4-83462628-G-C. GRCh37 (hg19) VCF-style: chr4-84383781-G-C.
Other names: c.744C>G, p.Phe248Leu (NM_001345962.2); short protein forms F248L, F357L.
Identifiers: ClinVar variation 1799952 (VCV001799952.2), dbSNP rs1344715561, ClinGen allele CA357255261.